The following is an entry in ClinVar:

ClinVar aggregate classification (germline): Conflicting classifications of pathogenicity. Review status: criteria provided, conflicting classifications (1 of 4 stars). 3 submissions from 3 submitters: Uncertain significance (1); Benign (2). Last evaluated 2023-02-01.

Conditions:
Hypothyroidism, congenital, nongoitrous, 2 (CHNG2). Also called: Hypothyroidism, congenital, due to thyroid dysgenesis or hypoplasia. Identifiers: Orphanet 95712, MedGen C1869118, MONDO:0024264, OMIM 218700.

Allele frequency attached by ClinVar (database versions not stated): gnomAD 0.00001 and 0.00036; TOPMed 0.00006; gnomAD exomes 0.00138; ExAC 0.00158; 1000 Genomes Project 30x 0.00172; 1000 Genomes Project 0.00220.
gnomAD v4.1: 1,101 of 1,613,498 alleles (0.068%); highest among the groups gnomAD compares: South Asian, 1.1%; 16 homozygotes.

Submissions (3):

CeGaT Center for Human Genetics Tuebingen
Classification: Benign. Last evaluated: 2023-02-01. Review status: criteria provided, single submitter. Criteria: CeGaT Center For Human Genetics Tuebingen Variant Classification Criteria Version 2. Collection method: clinical testing. Allele origin: germline. Affected: yes. Observed: 1 variant allele.
Comment: PAX8: BP4, BP7, BS1, BS2

Labcorp Genetics (formerly Invitae), Labcorp
Classification: Benign. Last evaluated: 2019-12-31. Review status: criteria provided, single submitter. Criteria: Invitae Variant Classification Sherloc (09022015). Collection method: clinical testing. Allele origin: germline.

Illumina Laboratory Services, Illumina
Classification: Uncertain significance for Hypothyroidism, congenital, nongoitrous, 2. Last evaluated: 2018-01-13. Review status: criteria provided, single submitter. Criteria: ICSL Variant Classification Criteria 13 December 2019. Collection method: clinical testing. Allele origin: germline.

NM_003466.4(PAX8):c.501C>A (p.Pro167=)

Genes: PAX8 (paired box 8; minus strand), PAX8-AS1 (PAX8 antisense RNA 1; plus strand), LOC126806316 (P300/CBP strongly-dependent group 1 enhancer GRCh37_chr2:113998497-113999696; plus strand). Cytogenetic location: 2q14.1.
Variant type: single nucleotide variant.
Coding change: c.501C>A on transcript NM_003466.4 (MANE Select); coding-DNA position 501, C replaced by A.
Protein change: p.Pro167=; no amino-acid change (proline 167 retained).
Molecular consequence: synonymous variant.
Genome position (GRCh38, 1-based): chr2:113,242,108, G>T on the plus strand (C>A on the coding strand, the complement: PAX8 is on the minus strand). VCF-style: chr2-113242108-G-T. GRCh37 (hg19) VCF-style: chr2-113999685-G-T.
Other names: c.501C>A, p.Pro167= (NM_013952.4, NM_013953.4, NM_013992.4).
Identifiers: ClinVar variation 330892 (VCV000330892.33), dbSNP rs61730086, ClinGen allele CA1840204.